The following is an entry in ClinVar:

ClinVar aggregate classification (germline): Likely benign (1 of 4 stars; one submission).

Allele frequency attached by ClinVar (database versions not stated): TOPMed below 0.00001; gnomAD 0.00001; gnomAD exomes 0.00001; ExAC 0.00002.
gnomAD v4.1: 10 of 1,562,856 alleles (0.00064%); highest among the groups gnomAD compares: South Asian, 0.0024%; no homozygotes.

Submission:

CeGaT Center for Human Genetics Tuebingen
Classification: Likely benign. Last evaluated: 2023-05-01. Review status: criteria provided, single submitter. Criteria: CeGaT Center For Human Genetics Tuebingen Variant Classification Criteria Version 2. Collection method: clinical testing. Allele origin: germline. Affected: yes. Observed: 1 variant allele.
Comment: RFX7: BP4, BP7

NM_022841.7(RFX7):c.2892G>A (p.Pro964=)

Gene: RFX7 (regulatory factor X7; minus strand). Cytogenetic location: 15q21.3.
Variant type: single nucleotide variant.
Coding change: c.2892G>A on transcript NM_022841.7 (MANE Select); coding-DNA position 2892, G replaced by A.
Protein change: p.Pro964=; no amino-acid change (proline 964 retained).
Molecular consequence: synonymous variant.
Genome position (GRCh38, 1-based): chr15:56,094,836, C>T on the plus strand (G>A on the coding strand, the complement: RFX7 is on the minus strand). VCF-style: chr15-56094836-C-T. GRCh37 (hg19) VCF-style: chr15-56387034-C-T.
Other names: c.2601G>A, p.Pro867= (NM_001368073.2, NM_001368074.1, NM_001370554.1); c.2892G>A, p.Pro964= (NM_001370561.1).
Identifiers: ClinVar variation 2645371 (VCV002645371.24), dbSNP rs779461554, ClinGen allele CA7578045.